The following is an entry in ClinVar:

NM_000090.4(COL3A1):c.3859T>C (p.Leu1287=)

Gene: COL3A1 (collagen type III alpha 1 chain; plus strand). Cytogenetic location: 2q32.2.
Variant type: single nucleotide variant.
Coding change: c.3859T>C on transcript NM_000090.4 (MANE Select); coding-DNA position 3859, T replaced by C.
Protein change: p.Leu1287=; no amino-acid change (leucine 1287 retained).
Molecular consequence: synonymous variant.
Genome position (GRCh38, 1-based): chr2:189,010,213, T>C. VCF-style: chr2-189010213-T-C. GRCh37 (hg19) VCF-style: chr2-189874939-T-C.
Identifiers: ClinVar variation 263683 (VCV000263683.20), dbSNP rs770201950, ClinGen allele CA076332.

ClinVar aggregate classification (germline): Likely benign. Review status: criteria provided, multiple submitters, no conflicts (2 of 4 stars). 7 submissions from 7 submitters: Likely benign (7). Last evaluated 2026-07-01.

Conditions:
Familial thoracic aortic aneurysm and aortic dissection (TAAD). Also called: Thoracic aortic aneurysms and dissections. Identifiers: Orphanet 91387, MedGen C4707243, MONDO:0019625.
Ehlers-Danlos syndrome, type 4 (EDSVASC). Also called: Ehlers-Danlos syndrome vascular type; Ehlers Danlos syndrome, ecchymotic type; Ehlers Danlos syndrome, arterial type; Ehlers Danlos syndrome, Sack-Barabas type; Ehlers-Danlos Syndrome Type IV. Identifiers: Orphanet 286, MedGen C0268338, MONDO:0017314, OMIM 130050.

Allele frequency attached by ClinVar (database versions not stated): gnomAD 0.00001; TOPMed 0.00001; gnomAD exomes 0.00002 and 0.00003; ExAC 0.00003.
gnomAD v4.1: 30 of 1,614,026 alleles (0.0019%); highest among the groups gnomAD compares: Admixed American, 0.0083%; no homozygotes.

Submissions (7):

CeGaT Center for Human Genetics Tuebingen
Classification: Likely benign. Last evaluated: 2026-07-01. Review status: criteria provided, single submitter. Criteria: CeGaT Center For Human Genetics Tuebingen Variant Classification Criteria Version 2. Collection method: clinical testing. Allele origin: germline. Affected: yes. Observed: 1 variant allele.
Comment: COL3A1: BP4, BP7

Labcorp Genetics (formerly Invitae), Labcorp
Classification: Likely benign for Ehlers-Danlos syndrome, type 4. Last evaluated: 2025-10-22. Review status: criteria provided, single submitter. Criteria: Invitae Variant Classification Sherloc (09022015). Collection method: clinical testing. Allele origin: germline.

All of Us Research Program, National Institutes of Health
Classification: Likely benign for Ehlers-Danlos syndrome, type 4. Last evaluated: 2024-09-23. Review status: criteria provided, single submitter. Criteria: ACMG Guidelines, 2015. Collection method: clinical testing. Allele origin: germline. Inheritance: Autosomal dominant inheritance. Observed: 9 variant alleles, 9 heterozygotes.
Comment: This study involves interpretation of variants in research participants for the purpose of population health screening. Participant phenotype was not available at the time of variant classification. Additional details can be found in publication PMID: 35346344, PMCID: PMC8962531

Blueprint Genetics
Classification: Likely benign. Last evaluated: 2024-07-03. Review status: criteria provided, single submitter. Criteria: ACMG Guidelines, 2015. Collection method: clinical testing. Allele origin: germline.

Color Diagnostics, LLC DBA Color Health
Classification: Likely benign for Familial thoracic aortic aneurysm and aortic dissection. Last evaluated: 2019-08-19. Review status: criteria provided, single submitter. Criteria: ACMG Guidelines, 2015. Collection method: clinical testing. Allele origin: germline.

Ambry Genetics
Classification: Likely benign for Familial thoracic aortic aneurysm and aortic dissection. Last evaluated: 2018-06-20. Review status: criteria provided, single submitter. Criteria: Ambry Variant Classification Scheme 2023. Collection method: clinical testing. Allele origin: germline.

GeneDx
Classification: Likely benign. Last evaluated: 2018-03-15. Review status: criteria provided, single submitter. Criteria: GeneDx Variant Classification (06012015). Collection method: clinical testing. Allele origin: germline. Affected: yes.
Comment: This variant is considered likely benign or benign based on one or more of the following criteria: it is a conservative change, it occurs at a poorly conserved position in the protein, it is predicted to be benign by multiple in silico algorithms, and/or has population frequency not consistent with disease.